The following is an entry in ClinVar:

ClinVar aggregate classification (germline): Likely benign (1 of 4 stars; one submission).

Conditions:
Isolated focal non-epidermolytic palmoplantar keratoderma. Also called: Palmoplantar keratoderma, nonepidermolytic, focal 2. Identifiers: Orphanet 448264, MedGen C4225339, MONDO:0014622, OMIM 616400.

Allele frequency attached by ClinVar (database versions not stated): gnomAD exomes 0.00002; ExAC 0.00003; gnomAD 0.00004 and 0.00005; TOPMed 0.00005.
gnomAD v4.1: 23 of 1,593,722 alleles (0.0014%); highest among the groups gnomAD compares: Middle Eastern, 0.033%; no homozygotes.

Submission:

Illumina Laboratory Services, Illumina
Classification: Likely benign for Isolated focal non-epidermolytic palmoplantar keratoderma. Last evaluated: 2018-01-13. Review status: criteria provided, single submitter. Criteria: ICSL Variant Classification Criteria 13 December 2019. Collection method: clinical testing. Allele origin: germline.
Comment: This variant was observed in the ICSL laboratory as part of a predisposition screen in an ostensibly healthy population. It had not been previously curated by ICSL or reported in the Human Gene Mutation Database (HGMD: prior to June 1st, 2018), and was therefore a candidate for classification through an automated scoring system. Utilizing variant allele frequency, disease prevalence and penetrance estimates, and inheritance mode, an automated score was calculated to assess if this variant is too frequent to cause the disease. Based on the score and internal cut-off values, a variant classified as likely benign is not then subjected to further curation. The score for this variant resulted in a classification of likely benign for this disease.

NM_145068.4(TRPV3):c.784+4G>A

Gene: TRPV3 (transient receptor potential cation channel subfamily V member 3; minus strand). Cytogenetic location: 17p13.2.
Variant type: single nucleotide variant.
Coding change: c.784+4G>A on transcript NM_145068.4 (MANE Select); 4 bases into the intron after coding-DNA position 784, G replaced by A.
Molecular consequence: intron variant.
Genome position (GRCh38, 1-based): chr17:3,535,569, C>T on the plus strand (G>A on the coding strand, the complement: TRPV3 is on the minus strand). VCF-style: chr17-3535569-C-T. GRCh37 (hg19) VCF-style: chr17-3438863-C-T.
Other names: c.784+4G>A (NM_001258205.2).
Identifiers: ClinVar variation 892344 (VCV000892344.4), dbSNP rs758501345, ClinGen allele CA8289733.